The following is an entry in ClinVar:

ClinVar aggregate classification (germline): Uncertain significance (1 of 4 stars; one submission).

Submission:

Ambry Genetics
Classification: Uncertain significance. Last evaluated: 2025-10-02. Review status: criteria provided, single submitter. Criteria: Ambry Variant Classification Scheme 2023. Collection method: clinical testing. Allele origin: germline.
Comment: The c.1532A>T (p.E511V) alteration is located in exon 15 (coding exon 15) of the DOCK5 gene. This alteration results from a A to T substitution at nucleotide position 1532, causing the glutamic acid (E) at amino acid position 511 to be replaced by a valine (V). Based on data from gnomAD, the T allele has an overall frequency of 0.003% (1/31410) total alleles studied. The highest observed frequency was 0.007% (1/15432) of European (non-Finnish) alleles. Based on insufficient or conflicting evidence, the clinical significance of this alteration remains unclear.

NM_024940.8(DOCK5):c.1532A>T (p.Glu511Val)

Gene: DOCK5 (dedicator of cytokinesis 5; plus strand). Cytogenetic location: 8p21.2.
Variant type: single nucleotide variant.
Coding change: c.1532A>T on transcript NM_024940.8 (MANE Select); coding-DNA position 1532, A replaced by T.
Protein change: p.Glu511Val; replaces glutamic acid 511 with valine.
Molecular consequence: missense variant.
Genome position (GRCh38, 1-based): chr8:25,319,666, A>T. VCF-style: chr8-25319666-A-T. GRCh37 (hg19) VCF-style: chr8-25177182-A-T.
Other names: short protein forms E511V.
Identifiers: ClinVar variation 4661721 (VCV004661721.1).